The following is an entry in ClinVar:

ClinVar aggregate classification (germline): Uncertain significance (1 of 4 stars; one submission).

Allele frequency attached by ClinVar (database versions not stated): gnomAD exomes 0.00001; ExAC 0.00002; gnomAD 0.00003; TOPMed 0.00003.

Submission:

Labcorp Genetics (formerly Invitae), Labcorp
Classification: Uncertain significance. Last evaluated: 2022-05-09. Review status: criteria provided, single submitter. Criteria: Invitae Variant Classification Sherloc (09022015). Collection method: clinical testing. Allele origin: germline.
Comment: This sequence change falls in intron 4 of the TMEM126B gene. It does not directly change the encoded amino acid sequence of the TMEM126B protein. It affects a nucleotide within the consensus splice site. This variant is present in population databases (rs762268531, gnomAD 0.003%). This variant has not been reported in the literature in individuals affected with TMEM126B-related conditions. Variants that disrupt the consensus splice site are a relatively common cause of aberrant splicing (PMID: 17576681, 9536098). Algorithms developed to predict the effect of sequence changes on RNA splicing suggest that this variant may disrupt the consensus splice site. In summary, the available evidence is currently insufficient to determine the role of this variant in disease. Therefore, it has been classified as a Variant of Uncertain Significance.

Literature cited by the submitters: PubMed 17576681; PubMed 9536098.

NM_018480.7(TMEM126B):c.509+2dup

Gene: TMEM126B (transmembrane protein 126B; plus strand). Cytogenetic location: 11q14.1.
Variant type: Duplication.
Coding change: c.509+2dup on transcript NM_018480.7 (MANE Select); the canonical splice donor site of the intron after coding-DNA position 509, one base duplicated (T; older notation c.509+2dupT).
Molecular consequence: splice donor variant.
Genome position (GRCh38, 1-based): chr11:85,635,780, T duplicated. VCF-style (leftmost placement, unchanged base first): chr11-85635779-G-GT. GRCh37 (hg19) VCF-style: chr11-85346823-G-GT.
Other names: c.449+2dup (NM_001193537.3); c.419+2dup (NM_001256546.2, NM_001193538.3); c.371+2dup (NM_001256547.2); c.284+2dup (NM_001350393.1).
Identifiers: ClinVar variation 2158200 (VCV002158200.1), dbSNP rs762268531, ClinGen allele CA6212531.